The following is an entry in ClinVar:

ClinVar aggregate classification (germline): Pathogenic (1 of 4 stars; one submission).

Conditions:
Familial thoracic aortic aneurysm and aortic dissection (TAAD). Also called: Thoracic aortic aneurysms and dissections. Identifiers: Orphanet 91387, MedGen C4707243, MONDO:0019625.
Marfan syndrome (MFS). Also called: FBN1-Related Marfan Syndrome; Marfan syndrome type 1; Marfan's syndrome; Marfan syndrome, classic; MARFAN SYNDROME, TYPE I. Identifiers: Orphanet 284963, Orphanet 558, MedGen C0024796, MONDO:0007947, OMIM 154700.

Submission:

Labcorp Genetics (formerly Invitae), Labcorp
Classification: Pathogenic for Marfan syndrome; Familial thoracic aortic aneurysm and aortic dissection. Last evaluated: 2024-10-29. Review status: criteria provided, single submitter. Criteria: Invitae Variant Classification Sherloc (09022015). Collection method: clinical testing. Allele origin: germline.
Comment: This sequence change affects an acceptor splice site in intron 2 of the FBN1 gene. It is expected to disrupt RNA splicing. Variants that disrupt the donor or acceptor splice site typically lead to a loss of protein function (PMID: 16199547), and loss-of-function variants in FBN1 are known to be pathogenic (PMID: 17657824, 19293843). This variant is not present in population databases (gnomAD no frequency). Disruption of this splice site has been observed in individuals with clinical features of FBN1-related disease (PMID: 12402346; internal data). ClinVar contains an entry for this variant (Variation ID: 642384). Algorithms developed to predict the effect of sequence changes on RNA splicing suggest that this variant may disrupt the consensus splice site. For these reasons, this variant has been classified as Pathogenic.

Literature cited by the submitters: PubMed 16199547; PubMed 17657824; PubMed 19293843; PubMed 12402346.

NM_000138.5(FBN1):c.165-2A>C

Gene: FBN1 (fibrillin 1; minus strand). Cytogenetic location: 15q21.1.
Variant type: single nucleotide variant.
Coding change: c.165-2A>C on transcript NM_000138.5 (MANE Select); the canonical splice acceptor site of the intron before coding-DNA position 165, A replaced by C.
Molecular consequence: splice acceptor variant.
Genome position (GRCh38, 1-based): chr15:48,613,094, T>G on the plus strand (A>C on the coding strand, the complement: FBN1 is on the minus strand). VCF-style: chr15-48613094-T-G. GRCh37 (hg19) VCF-style: chr15-48905291-T-G.
Other names: c.165-2A>C (NM_001406716.1, NM_001406717.1).
Identifiers: ClinVar variation 642384 (VCV000642384.9), dbSNP rs754351718, ClinGen allele CA392448540.